The following is an entry in ClinVar:

NM_004006.3(DMD):c.2564T>C (p.Ile855Thr)

Gene: DMD (dystrophin; minus strand). Cytogenetic location: Xp21.1.
Variant type: single nucleotide variant.
Coding change: c.2564T>C on transcript NM_004006.3 (MANE Select); coding-DNA position 2564, T replaced by C.
Protein change: p.Ile855Thr; replaces isoleucine 855 with threonine.
Molecular consequence: missense variant.
Genome position (GRCh38, 1-based): chrX:32,491,335, A>G on the plus strand (T>C on the coding strand, the complement: DMD is on the minus strand). VCF-style: chrX-32491335-A-G. GRCh37 (hg19) VCF-style: chrX-32509452-A-G.
Other names: c.2540T>C, p.Ile847Thr (NM_000109.4); c.2552T>C, p.Ile851Thr (NM_004009.3); c.2195T>C, p.Ile732Thr (NM_004010.3); short protein forms I851T, I855T, I732T, I847T.
Identifiers: ClinVar variation 4728769 (VCV004728769.2).

ClinVar aggregate classification (germline): Conflicting classifications of pathogenicity. Review status: criteria provided, conflicting classifications (1 of 4 stars). 2 submissions from 2 submitters: Uncertain significance (1); Likely benign (1). Last evaluated 2026-02-09.

Conditions:
Duchenne muscular dystrophy (DMD). Also called: MUSCULAR DYSTROPHY, PSEUDOHYPERTROPHIC PROGRESSIVE, DUCHENNE TYPE; Duchenne Muscular Dystrophy (DMD). Identifiers: Orphanet 98896, MedGen C0013264, MONDO:0010679, OMIM 310200.
Cardiovascular phenotype. Identifiers: MedGen CN230736.

gnomAD v4.1: 4 of 1,209,332 alleles (0.00033%); highest among the groups gnomAD compares: African/African-American, 0.0018%; no homozygotes.

Submissions (2):

Ambry Genetics
Classification: Likely benign for Cardiovascular phenotype. Last evaluated: 2026-02-09. Review status: criteria provided, single submitter. Criteria: Ambry Variant Classification Scheme 2023. Collection method: clinical testing. Allele origin: germline.

Labcorp Genetics (formerly Invitae), Labcorp
Classification: Uncertain significance for Duchenne muscular dystrophy. Last evaluated: 2025-10-11. Review status: criteria provided, single submitter. Criteria: Invitae Variant Classification Sherloc (09022015). Collection method: clinical testing. Allele origin: germline.
Comment: This sequence change replaces isoleucine, which is neutral and non-polar, with threonine, which is neutral and polar, at codon 855 of the DMD protein (p.Ile855Thr). This variant is not present in population databases (gnomAD no frequency). This variant has not been reported in the literature in individuals affected with DMD-related conditions. Invitae Evidence Modeling of protein sequence and biophysical properties (such as structural, functional, and spatial information, amino acid conservation, physicochemical variation, residue mobility, and thermodynamic stability) indicates that this missense variant is not expected to disrupt DMD protein function with a negative predictive value of 95%. In summary, the available evidence is currently insufficient to determine the role of this variant in disease. Therefore, it has been classified as a Variant of Uncertain Significance.